The following is an entry in ClinVar:

ClinVar aggregate classification (germline): Uncertain significance (1 of 4 stars; one submission).

Conditions:
Hao-Fountain syndrome due to USP7 mutation. Also called: USP7-Related Hao Fountain Syndrome. Identifiers: Orphanet 643538, MedGen C5816734, MONDO:0958071, OMIM 616863.

Submission:

MVZ Medizinische Genetik Mainz
Classification: Uncertain significance for Hao-Fountain syndrome due to USP7 mutation. Last evaluated: 2026-09-09. Review status: criteria provided, single submitter. Criteria: UK Practice Guidelines For Variant Classification V4 01 2020. Collection method: clinical testing. Allele origin: germline. Inheritance: Autosomal dominant inheritance. Affected: yes. Observed: 1 variant allele.
Comment: ACMG Criteria: PM2_SUP,PP2,PP3

NM_003470.3(USP7):c.355C>T (p.Leu119Phe)

Gene: USP7 (ubiquitin specific peptidase 7; minus strand). Cytogenetic location: 16p13.2.
Variant type: single nucleotide variant.
Coding change: c.355C>T on transcript NM_003470.3 (MANE Select); coding-DNA position 355, C replaced by T.
Protein change: p.Leu119Phe; replaces leucine 119 with phenylalanine.
Molecular consequence: missense variant. On other transcripts: non-coding transcript variant (1).
Genome position (GRCh38, 1-based): chr16:8,923,243, G>A on the plus strand (C>T on the coding strand, the complement: USP7 is on the minus strand). VCF-style: chr16-8923243-G-A. GRCh37 (hg19) VCF-style: chr16-9017100-G-A.
Other names: c.307C>T, p.Leu103Phe (NM_001286457.2); c.58C>T, p.Leu20Phe (NM_001286458.2); c.181C>T, p.Leu61Phe (NM_001321858.2); short protein forms L119F, L20F, L61F, L103F.
Identifiers: ClinVar variation 5010177 (VCV005010177.1).
Genomic context (GRCh38, chr16:8,923,243, plus strand): 5'-ATTTGGCTTCCAGTAATGAAATACTGTCTTACGTGGAATCAGATTCAGCATTGCACTGGA[G>A]AAAGAATCCTACGCTTTTTTGGTGTGGTCTGTCTGGATAAAAGCGTGGCATCACCATAAT-3'
Protein context (NP_003461.2, residues 109-129): RPHQKSVGFF[Leu119Phe]QCNAESDSTS